The following is an entry in ClinVar:

ClinVar aggregate classification (germline): Uncertain significance. Review status: criteria provided, multiple submitters, no conflicts (2 of 4 stars). 4 submissions from 4 submitters: Uncertain significance (3). 1 of the submissions does not count toward it. Last evaluated 2022-08-03.

Conditions:
Maple syrup urine disease type 1A (MSUD1A). Also called: MSUD type 1A. Identifiers: MedGen C1855369, MONDO:0023691, OMIM 248600.
Maple syrup urine disease (MSUD). Identifiers: Orphanet 511, MedGen C0024776, MeSH D008375, MONDO:0009563. Disease mechanism: loss of function.

Allele frequency attached by ClinVar (database versions not stated): gnomAD 0.00004 and 0.00008; TOPMed 0.00004; gnomAD exomes 0.00010 and 0.00011; ExAC 0.00011; 1000 Genomes Project 0.00080; 1000 Genomes Project 30x 0.00094.
gnomAD v4.1: 161 of 1,614,116 alleles (0.01%); highest among the groups gnomAD compares: South Asian, 0.038%; 1 homozygote.

Submissions (4):

Labcorp Genetics (formerly Invitae), Labcorp
Classification: Uncertain significance for Maple syrup urine disease. Last evaluated: 2022-08-03. Review status: criteria provided, single submitter. Criteria: Invitae Variant Classification Sherloc (09022015). Collection method: clinical testing. Allele origin: germline.
Comment: This sequence change replaces glutamic acid, which is acidic and polar, with lysine, which is basic and polar, at codon 398 of the BCKDHA protein (p.Glu398Lys). This variant is present in population databases (rs201168715, gnomAD 0.03%). This variant has not been reported in the literature in individuals affected with BCKDHA-related conditions. ClinVar contains an entry for this variant (Variation ID: 329368). Advanced modeling of protein sequence and biophysical properties (such as structural, functional, and spatial information, amino acid conservation, physicochemical variation, residue mobility, and thermodynamic stability) performed at Invitae indicates that this missense variant is expected to disrupt BCKDHA protein function. In summary, the available evidence is currently insufficient to determine the role of this variant in disease. Therefore, it has been classified as a Variant of Uncertain Significance.

Genome-Nilou Lab
Classification: Uncertain significance for Maple syrup urine disease type 1A. Last evaluated: 2021-11-07. Review status: criteria provided, single submitter. Criteria: ACMG Guidelines, 2015. Collection method: clinical testing. Allele origin: germline. Affected: no.

Illumina Laboratory Services, Illumina
Classification: Uncertain significance for Maple syrup urine disease type 1A. Last evaluated: 2018-01-13. Review status: criteria provided, single submitter. Criteria: ICSL Variant Classification Criteria 13 December 2019. Collection method: clinical testing. Allele origin: germline.

Natera, Inc.
Classification: Uncertain significance for Maple syrup urine disease type 1A. Last evaluated: 2019-10-28. Review status: no assertion criteria provided. Collection method: clinical testing. Allele origin: germline. Not counted in ClinVar's aggregate classification.

NM_000709.4(BCKDHA):c.1192G>A (p.Glu398Lys)

Gene: BCKDHA (branched chain keto acid dehydrogenase E1 subunit alpha; plus strand). Cytogenetic location: 19q13.2.
Variant type: single nucleotide variant.
Coding change: c.1192G>A on transcript NM_000709.4 (MANE Select); coding-DNA position 1192, G replaced by A.
Protein change: p.Glu398Lys; replaces glutamic acid 398 with lysine.
Molecular consequence: missense variant.
Genome position (GRCh38, 1-based): chr19:41,424,462, G>A. VCF-style: chr19-41424462-G-A. GRCh37 (hg19) VCF-style: chr19-41930367-G-A.
Other names: c.1189G>A, p.Glu397Lys (NM_001164783.2); short protein forms E398K, E397K.
Identifiers: ClinVar variation 329368 (VCV000329368.12), dbSNP rs201168715, ClinGen allele CA9461401.
Genomic context (GRCh38, chr19:41,424,462, plus strand): 5'-GCCGGCTAGCCTGCCCACTGCCCCATGTCCCCACAGGTGATGGAGGCCTTTGAGCAGGCC[G>A]AGCGGAAGCCCAAACCCAACCCCAACCTACTCTTCTCAGACGTGTATCAGGAGATGCCCG-3'
Protein context (NP_000700.1, residues 388-408): RKVMEAFEQA[Glu398Lys]RKPKPNPNLL